The following is an entry in ClinVar:

NM_000435.3(NOTCH3):c.506G>A (p.Arg169His)

Gene: NOTCH3 (notch receptor 3; minus strand). Cytogenetic location: 19p13.12.
Variant type: single nucleotide variant.
Coding change: c.506G>A on transcript NM_000435.3 (MANE Select); coding-DNA position 506, G replaced by A.
Protein change: p.Arg169His; replaces arginine 169 with histidine.
Molecular consequence: missense variant.
Genome position (GRCh38, 1-based): chr19:15,192,133, C>T on the plus strand (G>A on the coding strand, the complement: NOTCH3 is on the minus strand). VCF-style: chr19-15192133-C-T. GRCh37 (hg19) VCF-style: chr19-15302944-C-T.
Other names: short protein forms R169H.
Identifiers: ClinVar variation 1955223 (VCV001955223.29), dbSNP rs774607018, ClinGen allele CA9263868.

ClinVar aggregate classification (germline): Conflicting classifications of pathogenicity. Review status: criteria provided, conflicting classifications (1 of 4 stars). 2 submissions from 2 submitters: Uncertain significance (1); Likely benign (1). Last evaluated 2025-11-01.

Allele frequency attached by ClinVar (database versions not stated): ExAC 0.00001; TOPMed 0.00001; gnomAD 0.00003.
gnomAD v4.1: 33 of 1,612,820 alleles (0.002%); highest among the groups gnomAD compares: Middle Eastern, 0.016%; no homozygotes.

Submissions (2):

CeGaT Center for Human Genetics Tuebingen
Classification: Uncertain significance. Last evaluated: 2025-11-01. Review status: criteria provided, single submitter. Criteria: CeGaT Center For Human Genetics Tuebingen Variant Classification Criteria Version 2. Collection method: clinical testing. Allele origin: germline. Affected: yes. Observed: 3 variant alleles.
Comment: NOTCH3: PM5, BP4

Labcorp Genetics (formerly Invitae), Labcorp
Classification: Likely benign. Last evaluated: 2025-08-18. Review status: criteria provided, single submitter. Criteria: Invitae Variant Classification Sherloc (09022015). Collection method: clinical testing. Allele origin: germline.